The following is an entry in ClinVar:

ClinVar aggregate classification (germline): Conflicting classifications of pathogenicity. Review status: criteria provided, conflicting classifications (1 of 4 stars). 6 submissions from 6 submitters: Uncertain significance (4); Likely benign (1). 1 of the submissions does not count toward it. Last evaluated 2026-05-12.

Conditions:
COL11A1-related disorder. Also called: COL11A1-related disorders; COL11A1-related condition.
Connective tissue disorder. Also called: Connective tissue disease. Identifiers: MedGen C0009782, MONDO:0003900.

Allele frequency attached by ClinVar (database versions not stated): gnomAD 0.00004; gnomAD exomes 0.00004; TOPMed 0.00004; ExAC 0.00005; 1000 Genomes Project 30x 0.00016; 1000 Genomes Project 0.00020.
gnomAD v4.1: 66 of 1,613,222 alleles (0.0041%); highest among the groups gnomAD compares: Middle Eastern, 0.017%; 1 homozygote.

Submissions (6):

Women's Health and Genetics/Laboratory Corporation of America, LabCorp
Classification: Uncertain significance. Last evaluated: 2026-05-12. Review status: criteria provided, single submitter. Criteria: LabCorp Variant Classification Summary - May 2015. Collection method: clinical testing. Allele origin: germline.

Labcorp Genetics (formerly Invitae), Labcorp
Classification: Uncertain significance. Last evaluated: 2025-12-22. Review status: criteria provided, single submitter. Criteria: Invitae Variant Classification Sherloc (09022015). Collection method: clinical testing. Allele origin: germline.
Comment: This sequence change falls in intron 38 of the COL11A1 gene. It does not directly change the encoded amino acid sequence of the COL11A1 protein. It affects a nucleotide within the consensus splice site. This variant is present in population databases (rs200515572, gnomAD 0.008%). This variant has not been reported in the literature in individuals affected with COL11A1-related conditions. ClinVar contains an entry for this variant (Variation ID: 507173). Variants that disrupt the consensus splice site are a relatively common cause of aberrant splicing (PMID: 17576681, 9536098). Algorithms developed to predict the effect of sequence changes on RNA splicing suggest that this variant may disrupt the consensus splice site. In summary, the available evidence is currently insufficient to determine the role of this variant in disease. Therefore, it has been classified as a Variant of Uncertain Significance.

Center for Human Genetics, Inc
Classification: Uncertain significance for Connective tissue disorder. Last evaluated: 2018-06-01. Review status: criteria provided, single submitter. Criteria: ACMG Guidelines, 2015. Collection method: clinical testing. Allele origin: germline. Affected: yes.

CeGaT Center for Human Genetics Tuebingen
Classification: Uncertain significance. Last evaluated: 2018-03-01. Review status: criteria provided, single submitter. Criteria: CeGaT Center For Human Genetics Tuebingen Variant Classification Criteria Version 2. Collection method: clinical testing. Allele origin: germline. Affected: yes. Observed: 1 variant allele.

GeneDx
Classification: Likely benign. Last evaluated: 2017-02-06. Review status: criteria provided, single submitter. Criteria: GeneDx Variant Classification (06012015). Collection method: clinical testing. Allele origin: germline. Affected: yes.
Comment: This variant is considered likely benign or benign based on one or more of the following criteria: it is a conservative change, it occurs at a poorly conserved position in the protein, it is predicted to be benign by multiple in silico algorithms, and/or has population frequency not consistent with disease.

PreventionGenetics, part of Exact Sciences
Classification: Likely benign for COL11A1-related condition. Last evaluated: 2021-04-14. Review status: no assertion criteria provided. Collection method: clinical testing. Allele origin: germline. Not counted in ClinVar's aggregate classification.
Comment: This variant is classified as likely benign based on ACMG/AMP sequence variant interpretation guidelines (Richards et al. 2015 PMID: 25741868, with internal and published modifications).

Literature cited by the submitters: PubMed 17576681 (cited by Labcorp Genetics (formerly Invitae), Labcorp); PubMed 9536098 (cited by Labcorp Genetics (formerly Invitae), Labcorp).

NM_001854.4(COL11A1):c.2916+3A>G

Gene: COL11A1 (collagen type XI alpha 1 chain; minus strand). Cytogenetic location: 1p21.1.
Variant type: single nucleotide variant.
Coding change: c.2916+3A>G on transcript NM_001854.4 (MANE Select); 3 bases into the intron after coding-DNA position 2916, A replaced by G.
Molecular consequence: intron variant.
Genome position (GRCh38, 1-based): chr1:102,965,484, T>C on the plus strand (A>G on the coding strand, the complement: COL11A1 is on the minus strand). VCF-style: chr1-102965484-T-C. GRCh37 (hg19) VCF-style: chr1-103431040-T-C.
Other names: c.2799+3A>G (NM_001190709.2); c.2952+3A>G (NM_080629.3); c.2568+3A>G (NM_080630.4).
Identifiers: ClinVar variation 507173 (VCV000507173.49), dbSNP rs200515572, ClinGen allele CA974228.